The following is an entry in ClinVar:

NM_025144.4(ALPK1):c.1264C>G (p.Gln422Glu)

Gene: ALPK1 (alpha kinase 1; plus strand). Cytogenetic location: 4q25.
Variant type: single nucleotide variant.
Coding change: c.1264C>G on transcript NM_025144.4 (MANE Select); coding-DNA position 1264, C replaced by G.
Protein change: p.Gln422Glu; replaces glutamine 422 with glutamic acid.
Molecular consequence: missense variant.
Genome position (GRCh38, 1-based): chr4:112,430,811, C>G. VCF-style: chr4-112430811-C-G. GRCh37 (hg19) VCF-style: chr4-113351967-C-G.
Other names: c.1264C>G, p.Gln422Glu (NM_001102406.2); c.1030C>G, p.Gln344Glu (NM_001253884.2); short protein forms Q344E, Q422E.
Identifiers: ClinVar variation 3664906 (VCV003664906.2).

ClinVar aggregate classification (germline): Uncertain significance (1 of 4 stars; one submission).

Submission:

Labcorp Genetics (formerly Invitae), Labcorp
Classification: Uncertain significance. Last evaluated: 2024-10-07. Review status: criteria provided, single submitter. Criteria: Invitae Variant Classification Sherloc (09022015). Collection method: clinical testing. Allele origin: germline.
Comment: This sequence change replaces glutamine, which is neutral and polar, with glutamic acid, which is acidic and polar, at codon 422 of the ALPK1 protein (p.Gln422Glu). This variant is not present in population databases (gnomAD no frequency). This variant has not been reported in the literature in individuals affected with ALPK1-related conditions. Invitae Evidence Modeling of protein sequence and biophysical properties (such as structural, functional, and spatial information, amino acid conservation, physicochemical variation, residue mobility, and thermodynamic stability) indicates that this missense variant is not expected to disrupt ALPK1 protein function with a negative predictive value of 80%. In summary, the available evidence is currently insufficient to determine the role of this variant in disease. Therefore, it has been classified as a Variant of Uncertain Significance.